The following is an entry in ClinVar:

ClinVar aggregate classification (germline): Likely benign (0 of 4 stars; one submission).

Conditions:
TUBGCP4-related disorder. Also called: TUBGCP4-related condition.

Allele frequency attached by ClinVar (database versions not stated): ExAC 0.00001; gnomAD 0.00001; gnomAD exomes 0.00001; TOPMed 0.00001.
gnomAD v4.1: 7 of 1,612,328 alleles (0.00043%); highest among the groups gnomAD compares: Admixed American, 0.0017%; no homozygotes.

Submission:

PreventionGenetics, part of Exact Sciences
Classification: Likely benign for TUBGCP4-related condition. Last evaluated: 2019-08-09. Review status: no assertion criteria provided. Collection method: clinical testing. Allele origin: germline.
Comment: This variant is classified as likely benign based on ACMG/AMP sequence variant interpretation guidelines (Richards et al. 2015 PMID: 25741868, with internal and published modifications).

NM_014444.5(TUBGCP4):c.1170T>C (p.His390=)

Gene: TUBGCP4 (tubulin gamma complex component 4; plus strand). Cytogenetic location: 15q15.3.
Variant type: single nucleotide variant.
Coding change: c.1170T>C on transcript NM_014444.5 (MANE Select); coding-DNA position 1170, T replaced by C.
Protein change: p.His390=; no amino-acid change (histidine 390 retained).
Molecular consequence: synonymous variant.
Genome position (GRCh38, 1-based): chr15:43,395,687, T>C. VCF-style: chr15-43395687-T-C. GRCh37 (hg19) VCF-style: chr15-43687885-T-C.
Other names: c.1170T>C, p.His390= (NM_001286414.3).
Identifiers: ClinVar variation 3042680 (VCV003042680.2), dbSNP rs765035473, ClinGen allele CA7524007.